The following is an entry in ClinVar:

NM_000945.4(PPP3R1):c.*169T>C

Gene: PPP3R1 (protein phosphatase 3 regulatory subunit B, alpha; minus strand). Cytogenetic location: 2p14.
Variant type: single nucleotide variant.
Coding change: c.*169T>C on transcript NM_000945.4 (MANE Select); 169 bases downstream of the stop codon, T replaced by C.
Molecular consequence: 3 prime UTR variant.
Genome position (GRCh38, 1-based): chr2:68,180,794, A>G on the plus strand (T>C on the coding strand, the complement: PPP3R1 is on the minus strand). VCF-style: chr2-68180794-A-G. GRCh37 (hg19) VCF-style: chr2-68407926-A-G.
Identifiers: ClinVar variation 1284063 (VCV001284063.2), dbSNP rs875, ClinGen allele CA15151111.

ClinVar aggregate classification (germline): Benign. Review status: criteria provided, multiple submitters, no conflicts (2 of 4 stars). 2 submissions from 2 submitters: Benign (2). Last evaluated 2020-02-18.

Allele frequency attached by ClinVar (database versions not stated): TOPMed 0.27486; gnomAD 0.28287 and 0.29502; 1000 Genomes Project 30x 0.33401; 1000 Genomes Project 0.34665; gnomAD exomes 0.35895.
gnomAD v4.1: 216,316 of 630,888 alleles (34%); highest among the groups gnomAD compares: South Asian, 53%; 40,896 homozygotes.

Submissions (2):

GeneDx
Classification: Benign. Last evaluated: 2020-02-18. Review status: criteria provided, single submitter. Criteria: GeneDx Variant Classification Process June 2021. Collection method: clinical testing. Allele origin: germline. Affected: yes.
Comment: This variant is associated with the following publications: (PMID: 30388516)

Breakthrough Genomics
Classification: Benign. Review status: criteria provided, single submitter. Criteria: ACMG Guidelines, 2015. Collection method: not provided. Allele origin: germline. Inheritance: Unknown mechanism. Affected: yes.